The following is an entry in ClinVar:

ClinVar aggregate classification (germline): Uncertain significance (1 of 4 stars; one submission).

Submission:

GeneDx
Classification: Uncertain significance. Last evaluated: 2026-02-27. Review status: criteria provided, single submitter. Criteria: GeneDx Variant Classification Process June 2021. Collection method: clinical testing. Allele origin: germline.
Comment: Not observed at significant frequency in large population cohorts (gnomAD); Frameshift variant predicted to result in abnormal protein length as the last 115 amino acid(s) are replaced with 42 different amino acid(s); Has not been previously published as pathogenic or benign to our knowledge

NM_000368.5(TSC1):c.3141_3157del (p.Lys1050fs)

Gene: TSC1 (TSC complex subunit 1; minus strand). Cytogenetic location: 9q34.13.
Variant type: Deletion.
Coding change: c.3141_3157del on transcript NM_000368.5 (MANE Select); coding-DNA positions 3141 to 3157, 17 bases deleted (CCCAGAGAAACCCCCAC).
Protein change: p.Lys1050fs; shifts the reading frame from lysine 1050.
Molecular consequence: frameshift variant. On other transcripts: non-coding transcript variant (5).
Genome position (GRCh38, 1-based): chr9:132,896,573-132,896,589, GTGGGGGTTTCTCTGGG deleted on the plus strand (CCCAGAGAAACCCCCAC on the coding strand, the reverse complement: TSC1 is on the minus strand); deleting any 17 consecutive bases within chr9:132,896,573-132,896,591 gives the same sequence; the c. name uses the placement nearest the transcript's 3' end. VCF-style (leftmost placement, unchanged base first): chr9-132896572-TGTGGGGGTTTCTCTGGG-T. GRCh37 (hg19) VCF-style: chr9-135771959-TGTGGGGGTTTCTCTGGG-T.
Other names: c.3139_3155del17, p.Lys1050Glyfs (NM_000368.4); c.3138_3154del, p.Lys1049fs (NM_001162426.2, NM_001406597.1, NM_001406598.1 and 2 more transcripts); c.2988_3004del, p.Lys999fs (NM_001162427.2, NM_001406610.1); c.2778_2794del, p.Lys929fs (NM_001362177.2, NM_001406614.1, NM_001406615.1 and 4 more transcripts); c.3141_3157del, p.Lys1050fs (NM_001406592.1, NM_001406593.1, NM_001406594.1 and 2 more transcripts); c.3126_3142del, p.Lys1045fs (NM_001406601.1, NM_001406602.1); c.3123_3139del, p.Lys1044fs (NM_001406603.1, NM_001406604.1); c.3099_3115del, p.Lys1036fs (NM_001406605.1, NM_001406606.1, NM_001406607.1); and 9 more; short protein forms K914fs, K998fs, K1045fs, K699fs, K732fs, K928fs, K984fs, K999fs.
Identifiers: ClinVar variation 5008193 (VCV005008193.1).